The following is an entry in ClinVar:

NM_001085487.3(MYSM1):c.2279C>T (p.Pro760Leu)

Gene: MYSM1 (Myb like, SWIRM and MPN domains 1; minus strand). Cytogenetic location: 1p32.1.
Variant type: single nucleotide variant.
Coding change: c.2279C>T on transcript NM_001085487.3 (MANE Select); coding-DNA position 2279, C replaced by T.
Protein change: p.Pro760Leu; replaces proline 760 with leucine.
Molecular consequence: missense variant.
Genome position (GRCh38, 1-based): chr1:58,661,219, G>A on the plus strand (C>T on the coding strand, the complement: MYSM1 is on the minus strand). VCF-style: chr1-58661219-G-A. GRCh37 (hg19) VCF-style: chr1-59126891-G-A.
Other names: c.2279C>T (NM_001085487.2); short protein forms P760L.
Identifiers: ClinVar variation 1166702 (VCV001166702.11), dbSNP rs529622262, ClinGen allele CA877560.

ClinVar aggregate classification (germline): Benign. Review status: criteria provided, single submitter (1 of 4 stars). 2 submissions from 2 submitters: Benign (1). 1 of the submissions does not count toward it. Last evaluated 2025-07-21.

Conditions:
MYSM1-related disorder. Also called: MYSM1-related condition.

Allele frequency attached by ClinVar (database versions not stated): gnomAD 0.00016 and 0.00022; gnomAD exomes 0.00016 and 0.00054; TOPMed 0.00023; ExAC 0.00051; 1000 Genomes Project 0.00060; 1000 Genomes Project 30x 0.00062.
gnomAD v4.1: 281 of 1,612,808 alleles (0.017%); highest among the groups gnomAD compares: East Asian, 0.45%; 1 homozygote.

Submissions (2):

Labcorp Genetics (formerly Invitae), Labcorp
Classification: Benign. Last evaluated: 2025-07-21. Review status: criteria provided, single submitter. Criteria: Invitae Variant Classification Sherloc (09022015). Collection method: clinical testing. Allele origin: germline.

PreventionGenetics, part of Exact Sciences
Classification: Likely benign for MYSM1-related condition. Last evaluated: 2023-03-23. Review status: no assertion criteria provided. Collection method: clinical testing. Allele origin: germline. Not counted in ClinVar's aggregate classification.
Comment: This variant is classified as likely benign based on ACMG/AMP sequence variant interpretation guidelines (Richards et al. 2015 PMID: 25741868, with internal and published modifications).